The following is an entry in ClinVar:

NM_006204.4(PDE6C):c.1581A>G (p.Arg527=)

Gene: PDE6C (phosphodiesterase 6C; plus strand). Cytogenetic location: 10q23.33.
Variant type: single nucleotide variant.
Coding change: c.1581A>G on transcript NM_006204.4 (MANE Select); coding-DNA position 1581, A replaced by G.
Protein change: p.Arg527=; no amino-acid change (arginine 527 retained).
Molecular consequence: synonymous variant.
Genome position (GRCh38, 1-based): chr10:93,640,168, A>G. VCF-style: chr10-93640168-A-G. GRCh37 (hg19) VCF-style: chr10-95399925-A-G.
Other names: c.1581A>G (NM_006204.3).
Identifiers: ClinVar variation 1644164 (VCV001644164.10), dbSNP rs149127437, ClinGen allele CA5610235.

ClinVar aggregate classification (germline): Likely benign. Review status: criteria provided, multiple submitters, no conflicts (2 of 4 stars). 3 submissions from 3 submitters: Likely benign (3). Last evaluated 2026-07-14.

Conditions:
PDE6C-related disorder. Also called: PDE6C-related condition.

Allele frequency attached by ClinVar (database versions not stated): gnomAD 0.00001; TOPMed 0.00001; ExAC 0.00003; gnomAD exomes 0.00003 and 0.00005; ESP Exome Variant Server 0.00015.
gnomAD v4.1: 69 of 1,613,468 alleles (0.0043%); highest among the groups gnomAD compares: Non-Finnish European, 0.0058%; no homozygotes.

Submissions (3):

PreventionGenetics, part of Exact Sciences
Classification: Likely benign for PDE6C-related condition. Last evaluated: 2026-07-14. Review status: criteria provided, single submitter. Criteria: ACMG Guidelines, 2015. Collection method: clinical testing. Allele origin: germline.
Comment: This variant is classified as likely benign based on ACMG/AMP sequence variant interpretation guidelines (Richards et al. 2015 PMID: 25741868, with internal and published modifications).

Labcorp Genetics (formerly Invitae), Labcorp
Classification: Likely benign. Last evaluated: 2022-08-31. Review status: criteria provided, single submitter. Criteria: Invitae Variant Classification Sherloc (09022015). Collection method: clinical testing. Allele origin: germline.

Blueprint Genetics
Classification: Likely benign. Last evaluated: 2022-03-07. Review status: criteria provided, single submitter. Criteria: ACMG Guidelines, 2015. Collection method: clinical testing. Allele origin: germline.